The following is an entry in ClinVar:

ClinVar aggregate classification (germline): Benign (1 of 4 stars; one submission).

Conditions:
Familial cancer of breast. Also called: hereditary breast carcinoma; Hereditary breast cancer; BREAST CANCER, FAMILIAL. Identifiers: Orphanet 227535, MedGen C0346153, MONDO:0016419, OMIM 114480. Disease mechanism: loss of function.

Submission:

Myriad Genetics, Inc.
Classification: Benign for Familial cancer of breast. Last evaluated: 2024-08-09. Review status: criteria provided, single submitter. Criteria: Myriad Autosomal Dominant, Autosomal Recessive and X-Linked Classification Criteria (2023). Collection method: clinical testing. Allele origin: unknown.
Comment: This variant is considered benign. This variant is a silent/synonymous amino acid change and it is not expected to impact splicing.

NM_032043.3(BRIP1):c.186A>T (p.Ala62=)

Gene: BRIP1 (BRCA1 interacting DNA helicase 1; minus strand). Cytogenetic location: 17q23.2.
Variant type: single nucleotide variant.
Coding change: c.186A>T on transcript NM_032043.3 (MANE Select); coding-DNA position 186, A replaced by T.
Protein change: p.Ala62=; no amino-acid change (alanine 62 retained).
Molecular consequence: synonymous variant.
Genome position (GRCh38, 1-based): chr17:61,859,815, T>A on the plus strand (A>T on the coding strand, the complement: BRIP1 is on the minus strand). VCF-style: chr17-61859815-T-A. GRCh37 (hg19) VCF-style: chr17-59937176-T-A.
Identifiers: ClinVar variation 3378885 (VCV003378885.1).